The following is an entry in ClinVar:

NM_005505.5(SCARB1):c.1339G>A (p.Val447Ile)

Gene: SCARB1 (scavenger receptor class B member 1; minus strand). Cytogenetic location: 12q24.31.
Variant type: single nucleotide variant.
Coding change: c.1339G>A on transcript NM_005505.5 (MANE Select); coding-DNA position 1339, G replaced by A.
Protein change: p.Val447Ile; replaces valine 447 with isoleucine.
Molecular consequence: missense variant. On other transcripts: non-coding transcript variant (9), intron variant (1).
Genome position (GRCh38, 1-based): chr12:124,786,419, C>T on the plus strand (G>A on the coding strand, the complement: SCARB1 is on the minus strand). VCF-style: chr12-124786419-C-T. GRCh37 (hg19) VCF-style: chr12-125270965-C-T.
Other names: c.1339G>A, p.Val447Ile (NM_001082959.2, NM_001367981.1, NM_001367984.1 and 1 more transcripts); c.1216G>A, p.Val406Ile (NM_001367982.1); c.1345G>A, p.Val449Ile (NM_001367983.1); c.1315G>A, p.Val439Ile (NM_001367985.1); c.1141G>A, p.Val381Ile (NM_001367987.1); c.937G>A, p.Val313Ile (NM_001367988.1); c.1317+22G>A (NM_001367986.1); short protein forms V447I, V381I, V313I, V406I, V439I, V449I.
Identifiers: ClinVar variation 4695813 (VCV004695813.1).

ClinVar aggregate classification (germline): Uncertain significance (1 of 4 stars; one submission).

gnomAD v4.1: 18 of 1,614,042 alleles (0.0011%); highest among the groups gnomAD compares: African/African-American, 0.0027%; no homozygotes.

Submission:

Labcorp Genetics (formerly Invitae), Labcorp
Classification: Uncertain significance. Last evaluated: 2025-08-20. Review status: criteria provided, single submitter. Criteria: Invitae Variant Classification Sherloc (09022015). Collection method: clinical testing. Allele origin: germline.
Comment: This sequence change replaces valine, which is neutral and non-polar, with isoleucine, which is neutral and non-polar, at codon 447 of the SCARB1 protein (p.Val447Ile). This variant is present in population databases (rs779551591, gnomAD 0.003%). This variant has not been reported in the literature in individuals affected with SCARB1-related conditions. Invitae Evidence Modeling of protein sequence and biophysical properties (such as structural, functional, and spatial information, amino acid conservation, physicochemical variation, residue mobility, and thermodynamic stability) indicates that this missense variant is not expected to disrupt SCARB1 protein function with a negative predictive value of 80%. In summary, the available evidence is currently insufficient to determine the role of this variant in disease. Therefore, it has been classified as a Variant of Uncertain Significance.